The following is an entry in ClinVar:

NM_001128840.3(CACNA1D):c.4091A>G (p.Tyr1364Cys)

Gene: CACNA1D (calcium voltage-gated channel subunit alpha1 D; plus strand). Cytogenetic location: 3p21.1.
Variant type: single nucleotide variant.
Coding change: c.4091A>G on transcript NM_001128840.3 (MANE Select); coding-DNA position 4091, A replaced by G.
Protein change: p.Tyr1364Cys; replaces tyrosine 1364 with cysteine.
Molecular consequence: missense variant.
Genome position (GRCh38, 1-based): chr3:53,772,879, A>G. VCF-style: chr3-53772879-A-G. GRCh37 (hg19) VCF-style: chr3-53806906-A-G.
Other names: c.4151A>G, p.Tyr1384Cys (NM_000720.4); c.4046A>G, p.Tyr1349Cys (NM_001128839.3); c.4151A>G (NM_000720.2); short protein forms Y1349C, Y1384C, Y1364C.
Identifiers: ClinVar variation 3658285 (VCV003658285.3).

ClinVar aggregate classification (germline): Uncertain significance. Review status: criteria provided, multiple submitters, no conflicts (2 of 4 stars). 2 submissions from 2 submitters: Uncertain significance (2). Last evaluated 2026-04-09.

gnomAD v4.1: 1 of 1,613,796 alleles (0.000062%); highest among the groups gnomAD compares: Non-Finnish European, 0.000085%; no homozygotes.

Submissions (2):

GeneDx
Classification: Uncertain significance. Last evaluated: 2026-04-09. Review status: criteria provided, single submitter. Criteria: GeneDx Variant Classification Process June 2021. Collection method: clinical testing. Allele origin: germline.
Comment: Not observed at significant frequency in large population cohorts (gnomAD); In silico analysis supports that this missense variant has a deleterious effect on protein structure/function; Has not been previously published as pathogenic or benign to our knowledge

Labcorp Genetics (formerly Invitae), Labcorp
Classification: Uncertain significance. Last evaluated: 2024-06-30. Review status: criteria provided, single submitter. Criteria: Invitae Variant Classification Sherloc (09022015). Collection method: clinical testing. Allele origin: germline.
Comment: This sequence change replaces tyrosine, which is neutral and polar, with cysteine, which is neutral and slightly polar, at codon 1384 of the CACNA1D protein (p.Tyr1384Cys). This variant is not present in population databases (gnomAD no frequency). This variant has not been reported in the literature in individuals affected with CACNA1D-related conditions. Advanced modeling of protein sequence and biophysical properties (such as structural, functional, and spatial information, amino acid conservation, physicochemical variation, residue mobility, and thermodynamic stability) performed at Invitae indicates that this missense variant is expected to disrupt CACNA1D protein function with a positive predictive value of 80%. In summary, the available evidence is currently insufficient to determine the role of this variant in disease. Therefore, it has been classified as a Variant of Uncertain Significance.